The following continues an entry in ClinVar:

NM_001844.5(COL2A1):c.2059G>A (p.Gly687Ser)

Gene: COL2A1. ClinVar aggregate classification (germline): Pathogenic/Likely pathogenic. Pathogenic (7); Likely pathogenic (4).

Submissions 4 to 11 of 11:

Labcorp Genetics (formerly Invitae), Labcorp
Classification: Pathogenic. Last evaluated: 2024-12-08. Review status: criteria provided, single submitter. Criteria: Invitae Variant Classification Sherloc (09022015). Collection method: clinical testing. Allele origin: germline.
Comment: This sequence change replaces glycine, which is neutral and non-polar, with serine, which is neutral and polar, at codon 687 of the COL2A1 protein (p.Gly687Ser). This variant is not present in population databases (gnomAD no frequency). This missense change has been observed in individuals with autosomal dominant COL2A1-related conditions (PMID: 22791362, 25967556, 26626311). It has also been observed to segregate with disease in related individuals. ClinVar contains an entry for this variant (Variation ID: 988569). Invitae Evidence Modeling of protein sequence and biophysical properties (such as structural, functional, and spatial information, amino acid conservation, physicochemical variation, residue mobility, and thermodynamic stability) indicates that this missense variant is expected to disrupt COL2A1 protein function with a positive predictive value of 95%. This variant disrupts the triple helix domain of COL2A1. Glycine residues within the Gly-Xaa-Yaa repeats of the triple helix domain are required for the structure and stability of fibrillar collagens (PMID: 7695699, 8218237, 19344236). In COL2A1, variants affecting these glycine residues are significantly enriched in individuals with disease (PMID: 9016532, 17078022) compared to the general population (ExAC). This variant disrupts the p.Gly687 amino acid residue in COL2A1. Other variant(s) that disrupt this residue have been observed in individuals with COL2A1-related conditions (PMID: 22791362, 26626311), which suggests that this may be a clinically significant amino acid residue. For these reasons, this variant has been classified as Pathogenic.

Blueprint Genetics
Classification: Pathogenic for COL2A1-related disorders. Last evaluated: 2024-10-22. Review status: criteria provided, single submitter. Criteria: ACMG Guidelines, 2015. Collection method: clinical testing. Allele origin: germline. Affected: yes. Observed: 4 variant alleles.

Genomic Medicine Center of Excellence, King Faisal Specialist Hospital and Research Centre
Classification: Likely pathogenic for Stickler syndrome type 1. Last evaluated: 2024-03-25. Review status: criteria provided, single submitter. Criteria: ACMG Guidelines, 2015. Collection method: clinical testing. Allele origin: germline.

ARUP Laboratories, Molecular Genetics and Genomics, ARUP Laboratories
Classification: Pathogenic. Last evaluated: 2023-09-12. Review status: criteria provided, single submitter. Criteria: ARUP Molecular Germline Variant Investigation Process 2024. Collection method: clinical testing. Allele origin: germline.
Comment: The COL2A1 c.2059G>A; p.Gly687Ser variant (rs1939189846) is reported in the literature in multiple related and unrelated individuals in the heterozygous state affected with spondyloepiphyseal dysplasia (Fan 2023, Kim 2021, Luo 2022, Stranneheim 2021, Terhal 2015) . This variant is reported in ClinVar (Variation ID: 988569) and is absent from the Genome Aggregation Database, indicating it is not a common polymorphism. The glycine at codon 687 is highly conserved, and computational analyses predict that this variant is deleterious (REVEL:0.987). This variant disrupts the repeating Gly-X-Y sequence motif of the collagen triple helix and is predicted to impair collagen function (Barat-Houari 2016). Based on available information, this variant is considered to be likely pathogenic. References: Barat-Houari M et al. Mutation Update for COL2A1 Gene Variants Associated with Type II Collagenopathies. Hum Mutat. 2016 Jan;37(1):7-15. PMID: 26443184. Fan X, et al. Exome sequencing reveals genetic architecture in patients with isolated or syndromic short stature. J Genet Genomics. 2021. PMID: 34006472. Kim SJ, et al. Genetic Analysis Using a Next Generation Sequencing-Based Gene Panel in Patients With Skeletal Dysplasia: A Single-Center Experience. Front Genet. 2021. PMID: 34122524. Luo ZJ, et al. Exome sequencing revealed USP9X and COL2A1 mutations in a large family with multiple epiphyseal dysplasia. Bone. 2022. PMID: 35907616. Stranneheim H, et al. Integration of whole genome sequencing into a healthcare setting: high diagnostic rates across multiple clinical entities in 3219 rare disease patients. Genome Med. 2021. PMID: 33726816. Terhal PA, et al. A study of the clinical and radiological features in a cohort of 93 patients with a COL2A1 mutation causing spondyloepiphyseal dysplasia congenita or a related phenotype. Am J Med Genet A. 2015. PMID: 25604898.

GeneDx
Classification: Pathogenic. Last evaluated: 2022-12-13. Review status: criteria provided, single submitter. Criteria: GeneDx Variant Classification Process June 2021. Collection method: clinical testing. Allele origin: germline. Affected: yes.
Comment: Occurs in the triple helical domain and replaces a glycine in a canonical Gly-X-Y repeat; missense substitution of a canonical glycine residue is expected to disrupt normal protein folding and function, and this is an established mechanism of disease (Jovanovic et al., 2021); Not observed at significant frequency in large population cohorts (gnomAD); In silico analysis supports that this missense variant has a deleterious effect on protein structure/function; This variant is associated with the following publications: (PMID: 27059630, 22791362, 25967556, 34122524, 31630891, 32510848, 25863096, 34006472, 33726816, 34516402)

Baylor Genetics
Classification: Likely pathogenic for Spondyloepiphyseal dysplasia with metatarsal shortening. Last evaluated: 2019-12-17. Review status: criteria provided, single submitter. Criteria: ACMG Guidelines, 2015. Collection method: clinical testing. Allele origin: unknown. Affected: yes.
Comment: This variant was determined to be likely pathogenic according to ACMG Guidelines, 2015 [PMID:25741868].

Clinical Genetics and Genomics, Karolinska University Hospital
Classification: Likely pathogenic. Last evaluated: 2019-01-08. Review status: criteria provided, single submitter. Criteria: ACMG Guidelines, 2015. Collection method: clinical testing. Allele origin: germline. Affected: yes. Observed: 1 variant allele.

Juno Genomics, Hangzhou Juno Genomics, Inc
Classification: Likely pathogenic for Spondyloepiphyseal dysplasia, Stanescu type; Spondyloperipheral dysplasia; Stickler syndrome type 1; Stickler syndrome, type I, nonsyndromic ocular; Spondylometaphyseal dysplasia, Schmidt type; Multiple epiphyseal dysplasia, Beighton type; Vitreoretinopathy with phalangeal epiphyseal dysplasia; Achondrogenesis type II; Avascular necrosis of femoral head, primary, 1; Spondyloepiphyseal dysplasia with metatarsal shortening; Kniest dysplasia; Legg-Calve-Perthes disease; Namaqualand hip dysplasia; Platyspondylic dysplasia, Torrance type; Spondyloepiphyseal dysplasia congenita; Spondyloepimetaphyseal dysplasia, Strudwick type. Review status: criteria provided, single submitter. Criteria: ACMG Guidelines, 2015. Collection method: clinical testing. Allele origin: germline. Affected: yes.
Comment: Absent from controls (or at extremely low frequency if recessive) in Genome Aggregation Database, Exome Sequencing Project, 1000 Genomes Project, or Exome Aggregation Consortium.;Multiple lines of computational evidence support a deleterious effect on the gene or gene product (conservation, evolutionary, splicing impact, etc).;Missense variant in a gene that has a low rate of benign missense variation and where missense variants are a common mechanism of disease.;The prevalence of the variant in affected individuals is significantly increased compared to the prevalence in controls.;Co-segregation with disease in multiple affected family members in a gene definitively known to cause the disease.;Located in a mutational hot spot and/or critical and well-established functional domain (e.g. active site of an enzyme) without benign variation.

Literature cited by the submitters: PubMed 35296718 (cited by Variantyx, Inc.); PubMed 7695699 (cited by Variantyx, Inc. and Labcorp Genetics (formerly Invitae), Labcorp); PubMed 8218237 (cited by Variantyx, Inc. and Labcorp Genetics (formerly Invitae), Labcorp); PubMed 19344236 (cited by Variantyx, Inc. and Labcorp Genetics (formerly Invitae), Labcorp); PubMed 25863096 (cited by Variantyx, Inc. and Centro Nacional de Genética Medica, Administración Nacional de Laboratorios e Institutos de Salud (ANLIS) “Dr. Carlos G Malbrán”); PubMed 22791362 (cited by 3 submitters); PubMed 34122524 (cited by Variantyx, Inc. and Centro Nacional de Genética Medica, Administración Nacional de Laboratorios e Institutos de Salud (ANLIS) “Dr. Carlos G Malbrán”); PubMed 34516402 (cited by Variantyx, Inc.); PubMed 29632050 (cited by Centro Nacional de Genética Medica, Administración Nacional de Laboratorios e Institutos de Salud (ANLIS) “Dr. Carlos G Malbrán”); PubMed 31972903 (cited by Centro Nacional de Genética Medica, Administración Nacional de Laboratorios e Institutos de Salud (ANLIS) “Dr. Carlos G Malbrán”); PubMed 35907616 (cited by Centro Nacional de Genética Medica, Administración Nacional de Laboratorios e Institutos de Salud (ANLIS) “Dr. Carlos G Malbrán”); PubMed 26626311 (cited by Centro Nacional de Genética Medica, Administración Nacional de Laboratorios e Institutos de Salud (ANLIS) “Dr. Carlos G Malbrán” and Labcorp Genetics (formerly Invitae), Labcorp); PubMed 34623491 (cited by Centro Nacional de Genética Medica, Administración Nacional de Laboratorios e Institutos de Salud (ANLIS) “Dr. Carlos G Malbrán”); PubMed 25967556 (cited by Labcorp Genetics (formerly Invitae), Labcorp); PubMed 9016532 (cited by Labcorp Genetics (formerly Invitae), Labcorp); PubMed 17078022 (cited by Labcorp Genetics (formerly Invitae), Labcorp).